The following is an entry in ClinVar:

ClinVar aggregate classification (germline): Uncertain significance. Review status: criteria provided, multiple submitters, no conflicts (2 of 4 stars). 3 submissions from 3 submitters: Uncertain significance (3). Last evaluated 2025-03-13.

Conditions:
Emery-Dreifuss muscular dystrophy 4, autosomal dominant (EDMD4). Also called: EMERY-DREIFUSS MUSCULAR DYSTROPHY 4 WITH VARIABLE FEATURES. Identifiers: Orphanet 261, MedGen C2751807, MONDO:0013071, OMIM 612998.
Autosomal recessive ataxia, Beauce type. Also called: SYNE1-Related Autosomal Recessive Cerebellar Ataxia; Spinocerebellar ataxia, autosomal recessive 8; ATAXIA, RECESSIVE, OF BEAUCE; SYNE1 Deficiency. Identifiers: Orphanet 88644, MedGen C1853116, MONDO:0012549, OMIM 610743.

Allele frequency attached by ClinVar (database versions not stated): ExAC 0.00001; gnomAD 0.00001; gnomAD exomes 0.00001 and 0.00002; TOPMed 0.00002; ESP Exome Variant Server 0.00008.
gnomAD v4.1: 23 of 1,613,892 alleles (0.0014%); highest among the groups gnomAD compares: Middle Eastern, 0.016%; no homozygotes.

Submissions (3):

GeneDx
Classification: Uncertain significance. Last evaluated: 2025-03-13. Review status: criteria provided, single submitter. Criteria: GeneDx Variant Classification Process June 2021. Collection method: clinical testing. Allele origin: germline. Affected: yes.
Comment: Not observed at significant frequency in large population cohorts (gnomAD); In silico analysis supports that this missense variant has a deleterious effect on protein structure/function; Has not been previously published as pathogenic or benign to our knowledge

Labcorp Genetics (formerly Invitae), Labcorp
Classification: Uncertain significance for Emery-Dreifuss muscular dystrophy 4, autosomal dominant; Autosomal recessive ataxia, Beauce type. Last evaluated: 2024-11-13. Review status: criteria provided, single submitter. Criteria: Invitae Variant Classification Sherloc (09022015). Collection method: clinical testing. Allele origin: germline.
Comment: This sequence change replaces arginine, which is basic and polar, with cysteine, which is neutral and slightly polar, at codon 8603 of the SYNE1 protein (p.Arg8603Cys). This variant is present in population databases (rs149045775, gnomAD 0.008%). This variant has not been reported in the literature in individuals affected with SYNE1-related conditions. ClinVar contains an entry for this variant (Variation ID: 593244). An algorithm developed to predict the effect of missense changes on protein structure and function (PolyPhen-2) suggests that this variant is likely to be disruptive. In summary, the available evidence is currently insufficient to determine the role of this variant in disease. Therefore, it has been classified as a Variant of Uncertain Significance.

Eurofins Ntd Llc (ga)
Classification: Uncertain significance. Last evaluated: 2017-07-17. Review status: criteria provided, single submitter. Criteria: EGL Classification Definitions 2015. Collection method: clinical testing. Allele origin: germline. Observed: 1 variant allele, 1 heterozygote.

NM_182961.4(SYNE1):c.25951C>T (p.Arg8651Cys)

Gene: SYNE1 (spectrin repeat containing nuclear envelope protein 1; minus strand). Cytogenetic location: 6q25.2.
Variant type: single nucleotide variant.
Coding change: c.25951C>T on transcript NM_182961.4 (MANE Select); coding-DNA position 25951, C replaced by T.
Protein change: p.Arg8651Cys; replaces arginine 8651 with cysteine.
Molecular consequence: missense variant.
Genome position (GRCh38, 1-based): chr6:152,133,326, G>A on the plus strand (C>T on the coding strand, the complement: SYNE1 is on the minus strand). VCF-style: chr6-152133326-G-A. GRCh37 (hg19) VCF-style: chr6-152454461-G-A.
Other names: c.2557C>T, p.Arg853Cys (NM_001347701.2); c.2485C>T, p.Arg829Cys (NM_001347702.2); c.25807C>T, p.Arg8603Cys (NM_033071.5); c.25807C>T (NM_033071.3); short protein forms R8651C, R8603C, R829C, R853C.
Identifiers: ClinVar variation 593244 (VCV000593244.12), dbSNP rs149045775, ClinGen allele CA4052711.
Genomic context (GRCh38, chr6:152,133,326, plus strand): 5'-TATTGCTTACCTGCTGACTACTTGACACGTCTAATAACTTCTCCAGTTCCTTGATATGAC[G>A]ACTGACCTCCTTCAAGAGAAGTTTGAGCCGATTTCCAATAACATGGACTTTTTCTTTGGC-3'
Protein context (NP_892006.3, residues 8641-8661): RLKLLLKEVS[Arg8651Cys]HIKELEKLLD